The following is an entry in ClinVar:

ClinVar aggregate classification (germline): Uncertain significance. Review status: criteria provided, multiple submitters, no conflicts (2 of 4 stars). 3 submissions from 3 submitters: Uncertain significance (3). Last evaluated 2024-01-24.

Conditions:
Inborn genetic diseases. Identifiers: MedGen C0950123, MeSH D030342.

Allele frequency attached by ClinVar (database versions not stated): gnomAD exomes below 0.00001; gnomAD 0.00001; TOPMed 0.00001.
gnomAD v4.1: 3 of 1,600,748 alleles (0.00019%); highest among the groups gnomAD compares: Admixed American, 0.0017%; no homozygotes.

Submissions (3):

Ambry Genetics
Classification: Uncertain significance for Inborn genetic diseases. Last evaluated: 2024-01-24. Review status: criteria provided, single submitter. Criteria: Ambry Variant Classification Scheme 2023. Collection method: clinical testing. Allele origin: germline.

Blueprint Genetics
Classification: Uncertain significance. Last evaluated: 2023-06-06. Review status: criteria provided, single submitter. Criteria: ACMG Guidelines, 2015. Collection method: clinical testing. Allele origin: germline.

Labcorp Genetics (formerly Invitae), Labcorp
Classification: Uncertain significance. Last evaluated: 2022-07-19. Review status: criteria provided, single submitter. Criteria: Invitae Variant Classification Sherloc (09022015). Collection method: clinical testing. Allele origin: germline.
Comment: This sequence change replaces proline, which is neutral and non-polar, with leucine, which is neutral and non-polar, at codon 898 of the GPR179 protein (p.Pro898Leu). In summary, the available evidence is currently insufficient to determine the role of this variant in disease. Therefore, it has been classified as a Variant of Uncertain Significance. Algorithms developed to predict the effect of missense changes on protein structure and function are either unavailable or do not agree on the potential impact of this missense change (SIFT: "Tolerated"; PolyPhen-2: "Possibly Damaging"; Align-GVGD: "Class C0"). This variant has not been reported in the literature in individuals affected with GPR179-related conditions. This variant is not present in population databases (gnomAD no frequency).

NM_001004334.4(GPR179):c.2693C>T (p.Pro898Leu)

Gene: GPR179 (G protein-coupled receptor 179; minus strand). Cytogenetic location: 17q12.
Variant type: single nucleotide variant.
Coding change: c.2693C>T on transcript NM_001004334.4 (MANE Select); coding-DNA position 2693, C replaced by T.
Protein change: p.Pro898Leu; replaces proline 898 with leucine.
Molecular consequence: missense variant.
Genome position (GRCh38, 1-based): chr17:38,330,876, G>A on the plus strand (C>T on the coding strand, the complement: GPR179 is on the minus strand). VCF-style: chr17-38330876-G-A. GRCh37 (hg19) VCF-style: chr17-36486759-G-A.
Other names: c.2693C>T (NM_001004334.2); short protein forms P898L.
Identifiers: ClinVar variation 1919751 (VCV001919751.7), dbSNP rs1325554802, ClinGen allele CA398882685.
Genomic context (GRCh38, chr17:38,330,876, plus strand): 5'-CCAGAGGTGTGAGAGCTGTCCACGCTGCTGCTCTTGGCAGGGGAAGGTGGAGCTGACAGG[G>A]GGGCCCCTCGAGGCCGCTCCAGCCTCCTGGCTGATGGCCTCCGCACCAGGCTGGCCATGG-3'
Protein context (NP_001004334.3, residues 888-908): ARRLERPRGA[Pro898Leu]LSAPPSPAKS